The following is an entry in ClinVar:

NM_001165963.4(SCN1A):c.3603_3635dup (p.Cys1211_Phe1212insLeuLysGlnTrpTrpAsnLeuArgArgThrCys)

Genes: SCN1A (sodium voltage-gated channel alpha subunit 1; minus strand), LOC102724058 (uncharacterized LOC102724058; plus strand). Cytogenetic location: 2q24.3.
Variant type: Duplication.
Coding change: c.3603_3635dup on transcript NM_001165963.4 (MANE Select); coding-DNA positions 3603 to 3635, 33 bases duplicated.
Protein change: p.Cys1211_Phe1212insLeuLysGlnTrpTrpAsnLeuArgArgThrCys.
Molecular consequence: inframe insertion. On other transcripts: non-coding transcript variant (1).
Genome position (GRCh38, 1-based): chr2:166,013,814-166,013,846, 33 bases duplicated. GRCh37 (hg19): chr2:166,870,324-166,870,356.
Other names: c.3519_3551dup, p.Cys1183_Phe1184insLeuLysGlnTrpTrpAsnLeuArgArgThrCys (NM_001165964.3, NM_001353957.2, NM_001353958.2); c.3603_3635dup, p.Cys1211_Phe1212insLeuLysGlnTrpTrpAsnLeuArgArgThrCys (NM_001202435.3, NM_001353948.2); c.3570_3602dup, p.Cys1200_Phe1201insLeuLysGlnTrpTrpAsnLeuArgArgThrCys (NM_001353949.2, NM_001353950.2, NM_001353951.2 and 2 more transcripts); c.3567_3599dup, p.Cys1199_Phe1200insLeuLysGlnTrpTrpAsnLeuArgArgThrCys (NM_001353954.2, NM_001353955.2); c.3516_3548dup, p.Cys1182_Phe1183insLeuLysGlnTrpTrpAsnLeuArgArgThrCys (NM_001353960.2); c.1161_1193dup, p.Cys397_Phe398insLeuLysGlnTrpTrpAsnLeuArgArgThrCys (NM_001353961.2).
Identifiers: ClinVar variation 5008628 (VCV005008628.1).
Genomic context (GRCh38, chr2:166,013,813, plus strand): 5'-ACTACTAAGGAGAATCATGAAAACAATGAAGGTCTCAAACCAGTTATGTTCAACTATTCG[G>GAAACACGTCCTTCTCAGGTTCCACCATTGTTTT]AAACACGTCCTTCTCAGGTTCCACCATTGTTTTCCTCTGCCTTCTTCCACATTGATTTGA-3'

ClinVar aggregate classification (germline): Uncertain significance (1 of 4 stars; one submission).

Submission:

GeneDx
Classification: Uncertain significance. Last evaluated: 2026-03-05. Review status: criteria provided, single submitter. Criteria: GeneDx Variant Classification Process June 2021. Collection method: clinical testing. Allele origin: germline.
Comment: Not observed at significant frequency in large population cohorts (gnomAD); In-frame insertion of 11 amino acid(s) in a non-repeat region; Has not been previously published as pathogenic or benign to our knowledge